The following is an entry in ClinVar:

ClinVar aggregate classification (germline): Uncertain significance. Review status: criteria provided, multiple submitters, no conflicts (2 of 4 stars). 2 submissions from 2 submitters: Uncertain significance (2). Last evaluated 2025-03-26.

Conditions:
Cardiovascular phenotype. Identifiers: MedGen CN230736.
Lethal congenital glycogen storage disease of heart. Also called: GLYCOGEN STORAGE DISEASE OF HEART; PHOSPHORYLASE KINASE DEFICIENCY OF HEART. Identifiers: Orphanet 439854, MedGen C1849813, MONDO:0009867, OMIM 261740.

Submissions (2):

Ambry Genetics
Classification: Uncertain significance for Cardiovascular phenotype. Last evaluated: 2025-03-26. Review status: criteria provided, single submitter. Criteria: Ambry Variant Classification Scheme 2023. Collection method: clinical testing. Allele origin: germline.
Comment: The p.T400A variant (also known as c.1198A>G), located in coding exon 11 of the PRKAG2 gene, results from an A to G substitution at nucleotide position 1198. The threonine at codon 400 is replaced by alanine, an amino acid with similar properties. This amino acid position is highly conserved in available vertebrate species. In addition, this alteration is predicted to be deleterious by in silico analysis. Based on the available evidence, the clinical significance of this variant remains unclear.

Labcorp Genetics (formerly Invitae), Labcorp
Classification: Uncertain significance for Lethal congenital glycogen storage disease of heart. Last evaluated: 2022-08-05. Review status: criteria provided, single submitter. Criteria: Invitae Variant Classification Sherloc (09022015). Collection method: clinical testing. Allele origin: germline.
Comment: In summary, the available evidence is currently insufficient to determine the role of this variant in disease. Therefore, it has been classified as a Variant of Uncertain Significance. Advanced modeling of protein sequence and biophysical properties (such as structural, functional, and spatial information, amino acid conservation, physicochemical variation, residue mobility, and thermodynamic stability) performed at Invitae indicates that this missense variant is expected to disrupt PRKAG2 protein function. ClinVar contains an entry for this variant (Variation ID: 533872). This variant has not been reported in the literature in individuals affected with PRKAG2-related conditions. This variant is not present in population databases (gnomAD no frequency). This sequence change replaces threonine, which is neutral and polar, with alanine, which is neutral and non-polar, at codon 400 of the PRKAG2 protein (p.Thr400Ala).

NM_016203.4(PRKAG2):c.1198A>G (p.Thr400Ala)

Gene: PRKAG2 (protein kinase AMP-activated non-catalytic subunit gamma 2; minus strand). Cytogenetic location: 7q36.1.
Variant type: single nucleotide variant.
Coding change: c.1198A>G on transcript NM_016203.4 (MANE Select); coding-DNA position 1198, A replaced by G.
Protein change: p.Thr400Ala; replaces threonine 400 with alanine.
Molecular consequence: missense variant.
Genome position (GRCh38, 1-based): chr7:151,568,751, T>C on the plus strand (A>G on the coding strand, the complement: PRKAG2 is on the minus strand). VCF-style: chr7-151568751-T-C. GRCh37 (hg19) VCF-style: chr7-151265837-T-C.
Other names: c.1066A>G, p.Thr356Ala (NM_001040633.2); c.823A>G, p.Thr275Ala (NM_001304527.2); c.475A>G, p.Thr159Ala (NM_001304531.2, NM_024429.2); c.826A>G, p.Thr276Ala (NM_001363698.2); short protein forms T400A, T275A, T159A, T276A, T356A.
Identifiers: ClinVar variation 533872 (VCV000533872.9), dbSNP rs1554457901, ClinGen allele CA370071481.